The following is an entry in ClinVar:

ClinVar aggregate classification (germline): Likely benign (1 of 4 stars; one submission).

gnomAD v4.1: 51 of 1,613,834 alleles (0.0032%); highest among the groups gnomAD compares: South Asian, 0.026%; no homozygotes.

Submission:

CeGaT Center for Human Genetics Tuebingen
Classification: Likely benign. Last evaluated: 2025-08-01. Review status: criteria provided, single submitter. Criteria: CeGaT Center For Human Genetics Tuebingen Variant Classification Criteria Version 2. Collection method: clinical testing. Allele origin: germline. Affected: yes. Observed: 1 variant allele.
Comment: HERC2: BP4, BP7

NM_004667.6(HERC2):c.690C>T (p.Asp230=)

Gene: HERC2 (HECT and RLD domain containing E3 ubiquitin protein ligase 2; minus strand). Cytogenetic location: 15q13.1.
Variant type: single nucleotide variant.
Coding change: c.690C>T on transcript NM_004667.6 (MANE Select); coding-DNA position 690, C replaced by T.
Protein change: p.Asp230=; no amino-acid change (aspartic acid 230 retained).
Molecular consequence: synonymous variant.
Genome position (GRCh38, 1-based): chr15:28,274,401, G>A on the plus strand (C>T on the coding strand, the complement: HERC2 is on the minus strand). VCF-style: chr15-28274401-G-A. GRCh37 (hg19) VCF-style: chr15-28519547-G-A.
Identifiers: ClinVar variation 4084156 (VCV004084156.8).